The following is an entry in ClinVar:

NM_001999.4(FBN2):c.1149G>T (p.Met383Ile)

Gene: FBN2 (fibrillin 2; minus strand). Cytogenetic location: 5q23.3.
Variant type: single nucleotide variant.
Coding change: c.1149G>T on transcript NM_001999.4 (MANE Select); coding-DNA position 1149, G replaced by T.
Protein change: p.Met383Ile; replaces methionine 383 with isoleucine.
Molecular consequence: missense variant.
Genome position (GRCh38, 1-based): chr5:128,395,204, C>A on the plus strand (G>T on the coding strand, the complement: FBN2 is on the minus strand). VCF-style: chr5-128395204-C-A. GRCh37 (hg19) VCF-style: chr5-127730897-C-A.
Other names: short protein forms M383I.
Identifiers: ClinVar variation 4710944 (VCV004710944.1).

ClinVar aggregate classification (germline): Uncertain significance (1 of 4 stars; one submission).

Conditions:
Congenital contractural arachnodactyly (CCA). Also called: Arthrogryposis, distal, type 9; BEALS SYNDROME; Beals-Hecht syndrome. Identifiers: Orphanet 115, MedGen C0220668, MONDO:0007363, OMIM 121050.

Submission:

Labcorp Genetics (formerly Invitae), Labcorp
Classification: Uncertain significance for Congenital contractural arachnodactyly. Last evaluated: 2025-05-27. Review status: criteria provided, single submitter. Criteria: Invitae Variant Classification Sherloc (09022015). Collection method: clinical testing. Allele origin: germline.
Comment: This sequence change replaces methionine, which is neutral and non-polar, with isoleucine, which is neutral and non-polar, at codon 383 of the FBN2 protein (p.Met383Ile). This variant is not present in population databases (gnomAD no frequency). This variant has not been reported in the literature in individuals affected with FBN2-related conditions. Invitae Evidence Modeling of protein sequence and biophysical properties (such as structural, functional, and spatial information, amino acid conservation, physicochemical variation, residue mobility, and thermodynamic stability) indicates that this missense variant is not expected to disrupt FBN2 protein function with a negative predictive value of 95%. In summary, the available evidence is currently insufficient to determine the role of this variant in disease. Therefore, it has been classified as a Variant of Uncertain Significance.